The following is an entry in ClinVar:

ClinVar aggregate classification (germline): Uncertain significance (1 of 4 stars; one submission).

Conditions:
Retinoblastoma (RB1). Also called: RETINOBLASTOMA, SOMATIC. Identifiers: Orphanet 790, MedGen C0035335, MeSH D012175, MONDO:0008380, OMIM 180200, HP:0009919. Disease mechanism: loss of function. Inheritance: Both sporadic and heritable forms are tested..

gnomAD v4.1: 9 of 1,506,440 alleles (0.0006%); highest among the groups gnomAD compares: South Asian, 0.0012%; no homozygotes.

Submission:

Labcorp Genetics (formerly Invitae), Labcorp
Classification: Uncertain significance for Retinoblastoma. Last evaluated: 2025-02-04. Review status: criteria provided, single submitter. Criteria: Invitae Variant Classification Sherloc (09022015). Collection method: clinical testing. Allele origin: germline.
Comment: This variant occurs in a non-coding region of the RB1 gene. It does not change the encoded amino acid sequence of the RB1 protein. This variant is not present in population databases (gnomAD no frequency). This variant has not been reported in the literature in individuals affected with RB1-related conditions. In summary, the available evidence is currently insufficient to determine the role of this variant in disease. Therefore, it has been classified as a Variant of Uncertain Significance.

NM_000321.3(RB1):c.-48C>G

Gene: RB1 (RB transcriptional corepressor 1; plus strand). Cytogenetic location: 13q14.2.
Variant type: single nucleotide variant.
Coding change: c.-48C>G on transcript NM_000321.3 (MANE Select); 48 bases upstream of the start codon, C replaced by G.
Molecular consequence: 5 prime UTR variant.
Genome position (GRCh38, 1-based): chr13:48,303,865, C>G. VCF-style: chr13-48303865-C-G. GRCh37 (hg19) VCF-style: chr13-48878001-C-G.
Other names: c.-48C>G (NM_001407165.1, NM_001407166.1, NM_001407167.1).
Identifiers: ClinVar variation 4738263 (VCV004738263.1).